The following is an entry in ClinVar:

ClinVar aggregate classification (germline): Uncertain significance. Review status: criteria provided, multiple submitters, no conflicts (2 of 4 stars). 3 submissions from 3 submitters: Uncertain significance (2). 1 of the submissions does not count toward it. Last evaluated 2025-04-08.

Conditions:
Dyskeratosis congenita. Identifiers: Orphanet 1775, MedGen C0265965, MONDO:0015780.
Inborn genetic diseases. Identifiers: MedGen C0950123, MeSH D030342.
Pulmonary fibrosis and/or bone marrow failure, Telomere-related, 3. Also called: PULMONARY FIBROSIS AND/OR BONE MARROW FAILURE SYNDROME, TELOMERE-RELATED, 3. Identifiers: Orphanet 2032, MedGen C4225346, MONDO:0014613, OMIM 616373.
Dyskeratosis congenita, autosomal recessive 5 (DKCB5). Identifiers: MedGen C3554656, MONDO:0014076, OMIM 615190.

Allele frequency attached by ClinVar (database versions not stated): TOPMed below 0.00001; ExAC 0.00001; gnomAD 0.00001; gnomAD exomes 0.00001.
gnomAD v4.1: 18 of 1,613,692 alleles (0.0011%); highest among the groups gnomAD compares: Non-Finnish European, 0.0014%; no homozygotes.

Submissions (3):

Labcorp Genetics (formerly Invitae), Labcorp
Classification: Uncertain significance for Dyskeratosis congenita, autosomal recessive 5; Pulmonary fibrosis and/or bone marrow failure, Telomere-related, 3. Last evaluated: 2025-04-08. Review status: criteria provided, single submitter. Criteria: Invitae Variant Classification Sherloc (09022015). Collection method: clinical testing. Allele origin: germline.
Comment: This sequence change replaces arginine, which is basic and polar, with glutamine, which is neutral and polar, at codon 60 of the RTEL1 protein (p.Arg60Gln). The frequency data for this variant in the population databases is considered unreliable, as metrics indicate poor data quality at this position in the gnomAD database. This variant has not been reported in the literature in individuals affected with RTEL1-related conditions. ClinVar contains an entry for this variant (Variation ID: 863023). An algorithm developed to predict the effect of missense changes on protein structure and function outputs the following: PolyPhen-2: "Benign". The glutamine amino acid residue is found in multiple mammalian species, which suggests that this missense change does not adversely affect protein function. In summary, the available evidence is currently insufficient to determine the role of this variant in disease. Therefore, it has been classified as a Variant of Uncertain Significance.

Ambry Genetics
Classification: Uncertain significance for Inborn genetic diseases. Last evaluated: 2024-05-20. Review status: criteria provided, single submitter. Criteria: Ambry Variant Classification Scheme 2023. Collection method: clinical testing. Allele origin: germline.

Natera, Inc.
Classification: Uncertain significance for Dyskeratosis congenita. Last evaluated: 2020-09-16. Review status: no assertion criteria provided. Collection method: clinical testing. Allele origin: germline. Not counted in ClinVar's aggregate classification.

NM_001283009.2(RTEL1):c.179G>A (p.Arg60Gln)

Genes: RTEL1 (regulator of telomere elongation helicase 1; plus strand), RTEL1-TNFRSF6B (RTEL1-TNFRSF6B readthrough (NMD candidate); plus strand). Cytogenetic location: 20q13.33.
Variant type: single nucleotide variant.
Coding change: c.179G>A on transcript NM_001283009.2 (MANE Select); coding-DNA position 179, G replaced by A.
Protein change: p.Arg60Gln; replaces arginine 60 with glutamine.
Molecular consequence: missense variant. On other transcripts: non-coding transcript variant (1), 5 prime UTR variant (1).
Genome position (GRCh38, 1-based): chr20:63,661,374, G>A. VCF-style: chr20-63661374-G-A. GRCh37 (hg19) VCF-style: chr20-62292727-G-A.
Other names: c.-491G>A (NM_001283010.1); c.179G>A, p.Arg60Gln (NM_016434.4, NM_032957.5); short protein forms R60Q.
Identifiers: ClinVar variation 863023 (VCV000863023.10), dbSNP rs763415620, ClinGen allele CA9964131.